The following is an entry in ClinVar:

ClinVar aggregate classification (germline): Likely benign. Review status: criteria provided, multiple submitters, no conflicts (2 of 4 stars). 3 submissions from 3 submitters: Likely benign (3). Last evaluated 2026-03-21.

Conditions:
Inborn genetic diseases. Identifiers: MedGen C0950123, MeSH D030342.
SMPD1-related disorder. Also called: SMPD1-related condition.
Niemann-Pick disease, type A. Also called: Infantile Neurovisceral ASMD (Niemann-Pick Disease Type A; NPD-A); SPHINGOMYELIN LIPIDOSIS; SPHINGOMYELINASE DEFICIENCY. Identifiers: Orphanet 77292, MedGen C0268242, MONDO:0009756, OMIM 257200. Disease mechanism: loss of function.
Niemann-Pick disease, type B. Also called: Chronic Visceral ASMD (Niemann-Pick Disease Type B; NPD-B). Identifiers: Orphanet 77293, MedGen C0268243, MONDO:0011871, OMIM 607616. Disease mechanism: loss of function.

Allele frequency attached by ClinVar (database versions not stated): gnomAD exomes below 0.00001; TOPMed below 0.00001.
gnomAD v4.1: 3 of 1,614,250 alleles (0.00019%); highest among the groups gnomAD compares: Non-Finnish European, 0.00017%; no homozygotes.

Submissions (3):

Ambry Genetics
Classification: Likely benign for Inborn genetic diseases. Last evaluated: 2026-03-21. Review status: criteria provided, single submitter. Criteria: Ambry Variant Classification Scheme 2023. Collection method: clinical testing. Allele origin: germline.

PreventionGenetics, part of Exact Sciences
Classification: Likely benign for SMPD1-related condition. Last evaluated: 2025-08-05. Review status: criteria provided, single submitter. Criteria: ACMG Guidelines, 2015. Collection method: clinical testing. Allele origin: germline.
Comment: This variant is classified as likely benign based on ACMG/AMP sequence variant interpretation guidelines (Richards et al. 2015 PMID: 25741868, with internal and published modifications).

Labcorp Genetics (formerly Invitae), Labcorp
Classification: Likely benign for Niemann-Pick disease, type B; Niemann-Pick disease, type A. Last evaluated: 2022-06-18. Review status: criteria provided, single submitter. Criteria: Invitae Variant Classification Sherloc (09022015). Collection method: clinical testing. Allele origin: germline.

NM_000543.5(SMPD1):c.1638G>A (p.Gly546=)

Gene: SMPD1 (sphingomyelin phosphodiesterase 1; plus strand). Cytogenetic location: 11p15.4.
Variant type: single nucleotide variant.
Coding change: c.1638G>A on transcript NM_000543.5 (MANE Select); coding-DNA position 1638, G replaced by A.
Protein change: p.Gly546=; no amino-acid change (glycine 546 retained).
Molecular consequence: synonymous variant. On other transcripts: 3 prime UTR variant (1), non-coding transcript variant (2).
Genome position (GRCh38, 1-based): chr11:6,394,349, G>A. VCF-style: chr11-6394349-G-A. GRCh37 (hg19) VCF-style: chr11-6415579-G-A.
Other names: c.1638G>A (NM_000543.4); c.1635G>A, p.Gly545= (NM_001007593.3); c.*131G>A (NM_001318087.2); c.717G>A, p.Gly239= (NM_001318088.2); c.1506G>A, p.Gly502= (NM_001365135.2).
Identifiers: ClinVar variation 1974089 (VCV001974089.7), dbSNP rs1465130999, ClinGen allele CA472910051.